The following is an entry in ClinVar:

ClinVar aggregate classification (germline): Uncertain significance (1 of 4 stars; one submission).

Submission:

Labcorp Genetics (formerly Invitae), Labcorp
Classification: Uncertain significance. Last evaluated: 2024-12-08. Review status: criteria provided, single submitter. Criteria: Invitae Variant Classification Sherloc (09022015). Collection method: clinical testing. Allele origin: germline.
Comment: This variant, c.2721_2738del, results in the deletion of 6 amino acid(s) of the FLNB protein (p.Val908_Thr913del), but otherwise preserves the integrity of the reading frame. This variant is present in population databases (no rsID available, gnomAD 0.0009%). This variant has not been reported in the literature in individuals affected with FLNB-related conditions. Experimental studies and prediction algorithms are not available or were not evaluated, and the functional significance of this variant is currently unknown. In summary, the available evidence is currently insufficient to determine the role of this variant in disease. Therefore, it has been classified as a Variant of Uncertain Significance.

NM_001457.4(FLNB):c.2721_2738del (p.Val908_Thr913del)

Gene: FLNB (filamin B; plus strand). Cytogenetic location: 3p14.3.
Variant type: Deletion.
Coding change: c.2721_2738del on transcript NM_001457.4 (MANE Select); coding-DNA positions 2721 to 2738, 18 bases deleted (GGTTAAATATACACCCAC).
Protein change: p.Val908_Thr913del.
Genome position (GRCh38, 1-based): chr3:58,112,294-58,112,311, GGTTAAATATACACCCAC deleted; deleting any 18 consecutive bases within chr3:58,112,291-58,112,311 gives the same sequence; the c. name uses the placement nearest the transcript's 3' end. VCF-style (leftmost placement, unchanged base first): chr3-58112290-ACACGGTTAAATATACACC-A. GRCh37 (hg19) VCF-style: chr3-58098017-ACACGGTTAAATATACACC-A.
Other names: c.2721_2738del, p.Val908_Thr913del (NM_001164317.2, NM_001164318.2, NM_001164319.2).
Identifiers: ClinVar variation 3726929 (VCV003726929.2).